The following is an entry in ClinVar:

NM_018292.5(QRSL1):c.557+1G>A

Gene: QRSL1 (glutaminyl-tRNA amidotransferase subunit QRSL1; plus strand). Cytogenetic location: 6q21.
Variant type: single nucleotide variant.
Coding change: c.557+1G>A on transcript NM_018292.5 (MANE Select); the canonical splice donor site of the intron after coding-DNA position 557, G replaced by A.
Molecular consequence: splice donor variant.
Genome position (GRCh38, 1-based): chr6:106,649,202, G>A. VCF-style: chr6-106649202-G-A. GRCh37 (hg19) VCF-style: chr6-107097077-G-A.
Identifiers: ClinVar variation 3617530 (VCV003617530.2).
Genomic context (GRCh38, chr6:106,649,202, plus strand): 5'-GATAACTGGAGGAAGCTCAGGTGGGAGTGCAGCTGCTGTATCGGCGTTCACATGCTACGC[G>A]TAAGATGCTTTTCTCTATCTGTATTTTAAAACCCACCCAAATACAAACAGTCATAAACTG-3'

ClinVar aggregate classification (germline): Likely pathogenic (1 of 4 stars; one submission).

gnomAD v4.1: 20 of 1,613,482 alleles (0.0012%); highest among the groups gnomAD compares: South Asian, 0.0044%; no homozygotes.

Submission:

Labcorp Genetics (formerly Invitae), Labcorp
Classification: Likely pathogenic. Last evaluated: 2024-02-14. Review status: criteria provided, single submitter. Criteria: Invitae Variant Classification Sherloc (09022015). Collection method: clinical testing. Allele origin: germline.
Comment: This sequence change affects a donor splice site in intron 5 of the QRSL1 gene. It is expected to disrupt RNA splicing. Variants that disrupt the donor or acceptor splice site typically lead to a loss of protein function (PMID: 16199547), and loss-of-function variants in QRSL1 are known to be pathogenic (PMID: 26741492, 29440775). This variant is present in population databases (rs780812791, gnomAD 0.01%). This variant has not been reported in the literature in individuals affected with QRSL1-related conditions. Algorithms developed to predict the effect of sequence changes on RNA splicing suggest that this variant may disrupt the consensus splice site. In summary, the currently available evidence indicates that the variant is pathogenic, but additional data are needed to prove that conclusively. Therefore, this variant has been classified as Likely Pathogenic.

Literature cited by the submitters: PubMed 16199547; PubMed 26741492; PubMed 29440775.